The following is an entry in ClinVar:

NM_001042492.3(NF1):c.5803A>G (p.Ser1935Gly)

Gene: NF1 (neurofibromin 1; plus strand). Cytogenetic location: 17q11.2.
Variant type: single nucleotide variant.
Coding change: c.5803A>G on transcript NM_001042492.3 (MANE Select); coding-DNA position 5803, A replaced by G.
Protein change: p.Ser1935Gly; replaces serine 1935 with glycine.
Molecular consequence: missense variant.
Genome position (GRCh38, 1-based): chr17:31,330,489, A>G. VCF-style: chr17-31330489-A-G. GRCh37 (hg19) VCF-style: chr17-29657507-A-G.
Other names: c.5740A>G, p.Ser1914Gly (NM_000267.4); short protein forms S1914G, S1935G.
Identifiers: ClinVar variation 3383793 (VCV003383793.1).

ClinVar aggregate classification (germline): Uncertain significance (1 of 4 stars; one submission).

Submission:

GeneDx
Classification: Uncertain significance. Last evaluated: 2024-05-29. Review status: criteria provided, single submitter. Criteria: GeneDx Variant Classification Process June 2021. Collection method: clinical testing. Allele origin: germline. Affected: yes.
Comment: Not observed at significant frequency in large population cohorts (gnomAD); In silico analysis indicates that this missense variant does not alter protein structure/function; Has not been previously published as pathogenic or benign to our knowledge